The following is an entry in ClinVar:

ClinVar aggregate classification (germline): Uncertain significance (1 of 4 stars; one submission).

gnomAD v4.1: 1 of 1,613,954 alleles (0.000062%); highest among the groups gnomAD compares: Admixed American, 0.0017%; no homozygotes.

Submission:

Labcorp Genetics (formerly Invitae), Labcorp
Classification: Uncertain significance. Last evaluated: 2025-12-22. Review status: criteria provided, single submitter. Criteria: Invitae Variant Classification Sherloc (09022015). Collection method: clinical testing. Allele origin: germline.
Comment: This sequence change replaces alanine, which is neutral and non-polar, with threonine, which is neutral and polar, at codon 45 of the RPL31 protein (p.Ala45Thr). This variant is not present in population databases (gnomAD no frequency). This variant has not been reported in the literature in individuals affected with RPL31-related conditions. An algorithm developed to predict the effect of missense changes on protein structure and function (PolyPhen-2) suggests that this variant is likely to be tolerated. In summary, the available evidence is currently insufficient to determine the role of this variant in disease. Therefore, it has been classified as a Variant of Uncertain Significance.

NM_000993.5(RPL31):c.133G>A (p.Ala45Thr)

Gene: RPL31 (ribosomal protein L31; plus strand). Cytogenetic location: 2q11.2.
Variant type: single nucleotide variant.
Coding change: c.133G>A on transcript NM_000993.5 (MANE Select); coding-DNA position 133, G replaced by A.
Protein change: p.Ala45Thr; replaces alanine 45 with threonine.
Molecular consequence: missense variant.
Genome position (GRCh38, 1-based): chr2:101,004,183, G>A. VCF-style: chr2-101004183-G-A. GRCh37 (hg19) VCF-style: chr2-101620645-G-A.
Other names: c.133G>A, p.Ala45Thr (NM_001098577.3, NM_001099693.2); short protein forms A45T.
Identifiers: ClinVar variation 4762534 (VCV004762534.1).